The following is an entry in ClinVar:

ClinVar aggregate classification (germline): Uncertain significance (1 of 4 stars; one submission).

Conditions:
Hereditary pancreatitis (PCTT). Also called: Hereditary chronic pancreatitis; PRSS1-Related Hereditary Pancreatitis. Identifiers: Orphanet 676, MedGen C0238339, MONDO:0008185, OMIM 167800.

Submission:

Ambry Genetics
Classification: Uncertain significance for Hereditary pancreatitis. Last evaluated: 2020-05-26. Review status: criteria provided, single submitter. Criteria: Ambry Variant Classification Scheme 2023. Collection method: clinical testing. Allele origin: germline.
Comment: The p.A9E variant (also known as c.26C>A), located in coding exon 1 of the CTRC gene, results from a C to A substitution at nucleotide position 26. The alanine at codon 9 is replaced by glutamic acid, an amino acid with dissimilar properties. This amino acid position is not well conserved in available vertebrate species. In addition, the in silico prediction for this alteration is inconclusive. Since supporting evidence is limited at this time, the clinical significance of this alteration remains unclear.

NM_007272.3(CTRC):c.26C>A (p.Ala9Glu)

Gene: CTRC (chymotrypsin C; plus strand). Cytogenetic location: 1p36.21.
Variant type: single nucleotide variant.
Coding change: c.26C>A on transcript NM_007272.3 (MANE Select); coding-DNA position 26, C replaced by A.
Protein change: p.Ala9Glu; replaces alanine 9 with glutamic acid.
Molecular consequence: missense variant.
Genome position (GRCh38, 1-based): chr1:15,438,490, C>A. VCF-style: chr1-15438490-C-A. GRCh37 (hg19) VCF-style: chr1-15764986-C-A.
Other names: short protein forms A9E.
Identifiers: ClinVar variation 1794896 (VCV001794896.2), dbSNP rs772818172, ClinGen allele CA338563690.